The following is an entry in ClinVar:

ClinVar aggregate classification (germline): Uncertain significance. Review status: criteria provided, multiple submitters, no conflicts (2 of 4 stars). 2 submissions from 2 submitters: Uncertain significance (2). Last evaluated 2025-01-01.

Conditions:
Intellectual disability, autosomal dominant 14 (CSS2). Also called: COFFIN-SIRIS SYNDROME 2. Identifiers: Orphanet 1465, MedGen C3553247, MONDO:0013819, OMIM 614607.

Submissions (2):

CeGaT Center for Human Genetics Tuebingen
Classification: Uncertain significance. Last evaluated: 2025-01-01. Review status: criteria provided, single submitter. Criteria: CeGaT Center For Human Genetics Tuebingen Variant Classification Criteria Version 2. Collection method: clinical testing. Allele origin: germline. Affected: yes. Observed: 1 variant allele.
Comment: ARID1A: PM4

Institute of Human Genetics, University of Leipzig Medical Center
Classification: Uncertain significance for Intellectual disability, autosomal dominant 14. Last evaluated: 2018-11-05. Review status: criteria provided, single submitter. Criteria: ACMG Guidelines, 2015. Collection method: clinical testing. Allele origin: maternal. Affected: yes.

NM_006015.6(ARID1A):c.849_854del (p.Gly284_Gly285del)

Genes: ARID1A (AT-rich interaction domain 1A; plus strand), LOC129929837 (ATAC-STARR-seq lymphoblastoid silent region 489; plus strand). Cytogenetic location: 1p36.11.
Variant type: Deletion.
Coding change: c.849_854del on transcript NM_006015.6 (MANE Select); coding-DNA positions 849 to 854, 6 bases deleted (CGGGGG; older notation c.849_854delCGGGGG).
Protein change: p.Gly284_Gly285del.
Molecular consequence: inframe deletion.
Genome position (GRCh38, 1-based): chr1:26,697,252-26,697,257, CGGGGG deleted; deleting any 6 consecutive bases within chr1:26,697,250-26,697,257 gives the same sequence; the c. name uses the placement nearest the transcript's 3' end. VCF-style (leftmost placement, unchanged base first): chr1-26697249-CGGCGGG-C. GRCh37 (hg19) VCF-style: chr1-27023740-CGGCGGG-C.
Other names: c.849_854del, p.Gly284_Gly285del (NM_139135.4).
Identifiers: ClinVar variation 976055 (VCV000976055.16), dbSNP rs766163118, ClinGen allele CA706695.